The following is an entry in ClinVar:

ClinVar aggregate classification (germline): Uncertain significance (1 of 4 stars; one submission).

Conditions:
Neurofibromatosis, type 1 (NF1). Also called: VON RECKLINGHAUSEN DISEASE; Peripheral type neurofibromatosis; NEUROFIBROMATOSIS, TYPE I, SOMATIC; Neurofibromatosis, type I. Identifiers: Orphanet 636, MedGen C0027831, MONDO:0018975, OMIM 162200. Disease mechanism: loss of function.

Submission:

Labcorp Genetics (formerly Invitae), Labcorp
Classification: Uncertain significance for Neurofibromatosis, type 1. Last evaluated: 2024-04-24. Review status: criteria provided, single submitter. Criteria: Invitae Variant Classification Sherloc (09022015). Collection method: clinical testing. Allele origin: germline.
Comment: This sequence change replaces aspartic acid, which is acidic and polar, with histidine, which is basic and polar, at codon 946 of the NF1 protein (p.Asp946His). This variant is not present in population databases (gnomAD no frequency). This variant has not been reported in the literature in individuals affected with NF1-related conditions. Advanced modeling of protein sequence and biophysical properties (such as structural, functional, and spatial information, amino acid conservation, physicochemical variation, residue mobility, and thermodynamic stability) performed at Invitae indicates that this missense variant is expected to disrupt NF1 protein function with a positive predictive value of 95%. In summary, the available evidence is currently insufficient to determine the role of this variant in disease. Therefore, it has been classified as a Variant of Uncertain Significance.

NM_001042492.3(NF1):c.2836G>C (p.Asp946His)

Gene: NF1 (neurofibromin 1; plus strand). Cytogenetic location: 17q11.2.
Variant type: single nucleotide variant.
Coding change: c.2836G>C on transcript NM_001042492.3 (MANE Select); coding-DNA position 2836, G replaced by C.
Protein change: p.Asp946His; replaces aspartic acid 946 with histidine.
Molecular consequence: missense variant.
Genome position (GRCh38, 1-based): chr17:31,229,451, G>C. VCF-style: chr17-31229451-G-C. GRCh37 (hg19) VCF-style: chr17-29556469-G-C.
Other names: c.2836G>C, p.Asp946His (NM_000267.4); short protein forms D946H.
Identifiers: ClinVar variation 3634517 (VCV003634517.2).
Genomic context (GRCh38, chr17:31,229,451, plus strand): 5'-AGTCCTGCTCTGTATCCAATGCTATTTAACAAATTGAAGAATACCATCAGCAAGTTTTTT[G>C]ACTCCCAAGGACAGGTAAAGTGTTCTCTTATTTTTCACCTTTCTCTATGAATAGAGTGAC-3'
Protein context (NP_001035957.1, residues 936-956): KLKNTISKFF[Asp946His]SQGQVLLTDT